The following is an entry in ClinVar:

ClinVar aggregate classification (germline): Likely benign. Review status: criteria provided, multiple submitters, no conflicts (2 of 4 stars). 2 submissions from 2 submitters: Likely benign (2). Last evaluated 2026-01-01.

Conditions:
Duane-radial ray syndrome (DRRS). Also called: ACRORENOOCULAR SYNDROME; DR SYNDROME; DUANE ANOMALY WITH RADIAL RAY ABNORMALITIES AND DEAFNESS; Okihiro Syndrome; Duane-Radial Ray Syndrome (DRRS) / Okihiro Syndrome; Duane-Radial Ray Syndrome/Okihiro Syndrome. Identifiers: Orphanet 93293, Orphanet 959, MedGen C1623209, MONDO:0011812, OMIM 607323. Disease mechanism: gain of function.

gnomAD v4.1: 30 of 1,614,156 alleles (0.0019%); highest among the groups gnomAD compares: Middle Eastern, 0.016%; no homozygotes.

Submissions (2):

CeGaT Center for Human Genetics Tuebingen
Classification: Likely benign. Last evaluated: 2026-01-01. Review status: criteria provided, single submitter. Criteria: CeGaT Center For Human Genetics Tuebingen Variant Classification Criteria Version 2. Collection method: clinical testing. Allele origin: germline. Affected: yes. Observed: 1 variant allele.
Comment: SALL4: BP4, BP7

Labcorp Genetics (formerly Invitae), Labcorp
Classification: Likely benign for Duane-radial ray syndrome. Last evaluated: 2025-04-08. Review status: criteria provided, single submitter. Criteria: Invitae Variant Classification Sherloc (09022015). Collection method: clinical testing. Allele origin: germline.

NM_020436.5(SALL4):c.2760C>T (p.His920=)

Gene: SALL4 (spalt like transcription factor 4; minus strand). Cytogenetic location: 20q13.2.
Variant type: single nucleotide variant.
Coding change: c.2760C>T on transcript NM_020436.5 (MANE Select); coding-DNA position 2760, C replaced by T.
Protein change: p.His920=; no amino-acid change (histidine 920 retained).
Molecular consequence: synonymous variant.
Genome position (GRCh38, 1-based): chr20:51,784,667, G>A on the plus strand (C>T on the coding strand, the complement: SALL4 is on the minus strand). VCF-style: chr20-51784667-G-A. GRCh37 (hg19) VCF-style: chr20-50401206-G-A.
Other names: c.1449C>T, p.His483= (NM_001318031.2).
Identifiers: ClinVar variation 4797078 (VCV004797078.5).